The following is an entry in ClinVar:

NM_000038.6(APC):c.6323C>G (p.Ala2108Gly)

Gene: APC (APC regulator of Wnt signaling pathway; plus strand). Cytogenetic location: 5q22.2.
Variant type: single nucleotide variant.
Coding change: c.6323C>G on transcript NM_000038.6 (MANE Select); coding-DNA position 6323, C replaced by G.
Protein change: p.Ala2108Gly; replaces alanine 2108 with glycine.
Molecular consequence: missense variant.
Genome position (GRCh38, 1-based): chr5:112,841,917, C>G. VCF-style: chr5-112841917-C-G. GRCh37 (hg19) VCF-style: chr5-112177614-C-G.
Other names: c.6323C>G, p.Ala2108Gly (NM_001127510.3, NM_001354895.2, NM_001407450.1); c.6269C>G, p.Ala2090Gly (NM_001127511.3); c.6377C>G, p.Ala2126Gly (NM_001354896.2, NM_001407447.1, NM_001407448.1 and 1 more transcripts); c.6353C>G, p.Ala2118Gly (NM_001354897.2); c.6248C>G, p.Ala2083Gly (NM_001354898.2); c.6239C>G, p.Ala2080Gly (NM_001354899.2); c.6200C>G, p.Ala2067Gly (NM_001354900.2); c.6146C>G, p.Ala2049Gly (NM_001354901.2, NM_001407453.1); and 11 more; short protein forms A2007G, A2025G, A2083G, A2098G, A2118G, A2136G, A2017G, A2049G.
Identifiers: ClinVar variation 2014959 (VCV002014959.4), dbSNP rs2149962383, ClinGen allele CA16035181.

ClinVar aggregate classification (germline): Uncertain significance (1 of 4 stars; one submission).

Conditions:
Familial adenomatous polyposis 1 (FAP1). Also called: FAMILIAL ADENOMATOUS POLYPOSIS 1, ATTENUATED; POLYPOSIS, ADENOMATOUS INTESTINAL. Identifiers: MedGen C2713442, MONDO:0021056, OMIM 175100. Disease mechanism: loss of function.

Submission:

Labcorp Genetics (formerly Invitae), Labcorp
Classification: Uncertain significance for Familial adenomatous polyposis 1. Last evaluated: 2022-07-08. Review status: criteria provided, single submitter. Criteria: Invitae Variant Classification Sherloc (09022015). Collection method: clinical testing. Allele origin: germline.
Comment: This variant is not present in population databases (gnomAD no frequency). This sequence change replaces alanine, which is neutral and non-polar, with glycine, which is neutral and non-polar, at codon 2108 of the APC protein (p.Ala2108Gly). In summary, the available evidence is currently insufficient to determine the role of this variant in disease. Therefore, it has been classified as a Variant of Uncertain Significance. Algorithms developed to predict the effect of missense changes on protein structure and function are either unavailable or do not agree on the potential impact of this missense change (SIFT: "Tolerated"; PolyPhen-2: "Probably Damaging"; Align-GVGD: "Class C0"). This variant has not been reported in the literature in individuals affected with APC-related conditions.